The following is an entry in ClinVar:

NM_004336.5(BUB1):c.2977G>A (p.Ala993Thr)

Gene: BUB1 (BUB1 mitotic checkpoint serine/threonine kinase; minus strand). Cytogenetic location: 2q13.
Variant type: single nucleotide variant.
Coding change: c.2977G>A on transcript NM_004336.5 (MANE Select); coding-DNA position 2977, G replaced by A.
Protein change: p.Ala993Thr; replaces alanine 993 with threonine.
Molecular consequence: missense variant.
Genome position (GRCh38, 1-based): chr2:110,639,827, C>T on the plus strand (G>A on the coding strand, the complement: BUB1 is on the minus strand). VCF-style: chr2-110639827-C-T. GRCh37 (hg19) VCF-style: chr2-111397404-C-T.
Other names: c.2917G>A, p.Ala973Thr (NM_001278616.2); c.2806G>A, p.Ala936Thr (NM_001278617.2); short protein forms A936T, A993T, A973T.
Identifiers: ClinVar variation 1798338 (VCV001798338.2), dbSNP rs942921022, ClinGen allele CA53521434.

ClinVar aggregate classification (germline): Uncertain significance (1 of 4 stars; one submission).

Submission:

Ambry Genetics
Classification: Uncertain significance. Last evaluated: 2021-10-08. Review status: criteria provided, single submitter. Criteria: Ambry Variant Classification Scheme 2023. Collection method: clinical testing. Allele origin: germline.
Comment: The p.A993T variant (also known as c.2977G>A), located in coding exon 24 of the BUB1 gene, results from a G to A substitution at nucleotide position 2977. The alanine at codon 993 is replaced by threonine, an amino acid with similar properties. This amino acid position is conserved. In addition, the in silico prediction for this alteration is inconclusive. Since supporting evidence is limited at this time, the clinical significance of this alteration remains unclear.